The following is an entry in ClinVar:

ClinVar aggregate classification (germline): Uncertain significance (1 of 4 stars; one submission).

Conditions:
Early-infantile DEE. Also called: Early infantile epileptic encephalopathy; Early infantile epileptic encephalopathy with suppression bursts; Ohtahara syndrome. Identifiers: Orphanet 1934, MedGen C0393706, MONDO:0800491.

Submission:

Labcorp Genetics (formerly Invitae), Labcorp
Classification: Uncertain significance for Early-infantile DEE. Last evaluated: 2023-02-03. Review status: criteria provided, single submitter. Criteria: Invitae Variant Classification Sherloc (09022015). Collection method: clinical testing. Allele origin: germline.
Comment: In summary, the available evidence is currently insufficient to determine the role of this variant in disease. Therefore, it has been classified as a Variant of Uncertain Significance. Algorithms developed to predict the effect of missense changes on protein structure and function output the following: SIFT: "Tolerated"; PolyPhen-2: "Benign"; Align-GVGD: "Class C0". The asparagine amino acid residue is found in multiple mammalian species, which suggests that this missense change does not adversely affect protein function. This variant has not been reported in the literature in individuals affected with SPTAN1-related conditions. This variant is not present in population databases (gnomAD no frequency). This sequence change replaces serine, which is neutral and polar, with asparagine, which is neutral and polar, at codon 391 of the SPTAN1 protein (p.Ser391Asn).

NM_001130438.3(SPTAN1):c.1172G>A (p.Ser391Asn)

Gene: SPTAN1 (spectrin alpha, non-erythrocytic 1; plus strand). Cytogenetic location: 9q34.11.
Variant type: single nucleotide variant.
Coding change: c.1172G>A on transcript NM_001130438.3 (MANE Select); coding-DNA position 1172, G replaced by A.
Protein change: p.Ser391Asn; replaces serine 391 with asparagine.
Molecular consequence: missense variant.
Genome position (GRCh38, 1-based): chr9:128,578,196, G>A. VCF-style: chr9-128578196-G-A. GRCh37 (hg19) VCF-style: chr9-131340475-G-A.
Other names: c.1172G>A, p.Ser391Asn (NM_001195532.2, NM_001363759.2, NM_001363765.2 and 5 more transcripts); c.1208G>A, p.Ser403Asn (NM_001375312.2, NM_001375318.1); short protein forms S391N, S403N.
Identifiers: ClinVar variation 2834193 (VCV002834193.3), dbSNP rs2131030163, ClinGen allele CA375051829.
Genomic context (GRCh38, chr9:128,578,196, plus strand): 5'-GTGACCTCACCAGCTGGGTGACTGAGATGAAAGCCCTCATCAATGCAGATGAGCTTGCCA[G>A]TGATGTGGCTGGGGCTGAAGCCCTGCTAGATAGACACCAAGAGCACAAGGTAATGGTATC-3'
Protein context (NP_001123910.1, residues 381-401): KALINADELA[Ser391Asn]DVAGAEALLD